The following is an entry in ClinVar:

NM_000363.5(TNNI3):c.610C>T (p.Arg204Cys)

Gene: TNNI3 (troponin I3, cardiac type; minus strand). Cytogenetic location: 19q13.42.
Variant type: single nucleotide variant.
Coding change: c.610C>T on transcript NM_000363.5 (MANE Select); coding-DNA position 610, C replaced by T.
Protein change: p.Arg204Cys; replaces arginine 204 with cysteine.
Molecular consequence: missense variant.
Genome position (GRCh38, 1-based): chr19:55,151,857, G>A on the plus strand (C>T on the coding strand, the complement: TNNI3 is on the minus strand). VCF-style: chr19-55151857-G-A. GRCh37 (hg19) VCF-style: chr19-55663225-G-A.
Other names: p.R204C:CGC>TGC; short protein forms R204C.
Identifiers: ClinVar variation 177631 (VCV000177631.26), dbSNP rs727504243, ClinGen allele CA022054.

ClinVar aggregate classification (germline): Pathogenic/Likely pathogenic. Review status: criteria provided, multiple submitters, no conflicts (2 of 4 stars). 9 submissions from 9 submitters: Pathogenic (5); Likely pathogenic (3). 1 of the submissions does not count toward it. Last evaluated 2026-08-05.

Conditions:
Cardiomyopathy (CMYO). Also called: Cardiomyopathies. Identifiers: Orphanet 167848, MedGen C0878544, MONDO:0004994, HP:0001638. Inheritance: Various modes of inheritance.
TNNI3-related disorder. Also called: TNNI3-related condition; TNNI3-related disorders.
Cardiovascular phenotype. Identifiers: MedGen CN230736.
TNNI3-associated disorder.
Cardiomyopathy, familial restrictive, 1. Identifiers: Orphanet 75249, MedGen C1861861, MONDO:0007270, OMIM 115210.
Hypertrophic cardiomyopathy. Also called: HYPERTROPHIC MYOCARDIOPATHY. Identifiers: Orphanet 217569, MedGen C0007194, MeSH D002312, MONDO:0005045, HP:0001639.

Allele frequency attached by ClinVar (database versions not stated): TOPMed below 0.00001; gnomAD 0.00001.
gnomAD v4.1: 1 of 1,613,974 alleles (0.000062%); highest among the groups gnomAD compares: African/African-American, 0.0013%; no homozygotes.

Submissions (9):

Kasturba Medical College, Manipal, Kasturba Medical College, Manipal, Manipal Academy of Higher Education, Manipal, India
Classification: Likely pathogenic for Cardiomyopathy, familial restrictive, 1. Last evaluated: 2026-08-05. Review status: criteria provided, single submitter. Criteria: ACMG Guidelines, 2015. Collection method: research. Allele origin: unknown. Inheritance: Autosomal dominant inheritance. Affected: yes. Observed: 1 variant allele, 1 heterozygote.
Comment: This variant is present in one individual in heterozygous state and absent in homozygous state in the gnomAD population database (v4.1.0). This variant is absent in heterozygous and/or homozygous state in our in-house database of 4403 exomes. In-silico prediction tools (CADD_Phred and REVEL) are consistent in predicting the variant to be damaging to the TNNI3 protein structure and function. This variant has been reported in individuals with restrictive cardiomyopathy. Skinned fiber studies have demonstrated that Arg204Cys amino acid change significantly increases Ca²⁺ sensitivity of force development and alters thin-filament interactions, providing functional evidence supporting its pathogenic effect (Nguyen et al. 2016).

Ambry Genetics
Classification: Likely pathogenic for Cardiovascular phenotype. Last evaluated: 2025-07-10. Review status: criteria provided, single submitter. Criteria: Ambry Variant Classification Scheme 2023. Collection method: clinical testing. Allele origin: germline.
Comment: The p.R204C variant (also known as c.610C>T), located in coding exon 8 of the TNNI3 gene, results from a C to T substitution at nucleotide position 610. The arginine at codon 204 is replaced by cysteine, an amino acid with highly dissimilar properties. This variant was reported in individual(s) with features consistent with hypertrophic cardiomyopathy (HCM); dilated cardiomyopathy (DCM) and restrictive cardiomyopathy (RCM) (Van Driest SL et al. Circulation, 2003 Jul;108:445-51; Walsh R et al. Genet Med, 2017 Feb;19:192-203; Mehaney DA et al. Cardiol Young, 2022 Feb;32:295-300; Ware SM et al. J Am Heart Assoc, 2021 May;10:e017731; Lu C et al. J Transl Med, 2018 Aug;16:241; Bagnall RD et al. Circ Genom Precis Med, 2022 Dec;15:e003686; Janin A et al. Mol Diagn Ther, 2022 Sep;26:551-560; Oktay V et al. Anatol J Cardiol, 2023 Nov;27:628-638). Anther variant at the same codon, p.R204H (c.611G>A), has been identified in individual(s) with features consistent with HCM (Doolan A et al. J Mol Cell Cardiol, 2005 Feb;38:387-93). This amino acid position is highly conserved in available vertebrate species. In addition, this alteration is predicted to be deleterious by in silico analysis. This variant is considered to be rare based on population cohorts in the Genome Aggregation Database (gnomAD). Based on the supporting evidence, this variant is expected to be causative of autosomal dominant TNNI3-related cardiomyopathy; however, its clinical significance for autosomal recessive TNNI3-related dilated cardiomyopathy is unclear.

Institute of Human Genetics Munich, TUM University Hospital
Classification: Likely pathogenic for TNNI3-associated disorder. Last evaluated: 2025-06-23. Review status: criteria provided, single submitter. Criteria: Classification criteria August 2017. Collection method: clinical testing. Allele origin: germline. Inheritance: Autosomal dominant inheritance. Affected: yes. Observed: 1 variant allele.

GeneDx
Classification: Pathogenic. Last evaluated: 2025-05-16. Review status: criteria provided, single submitter. Criteria: GeneDx Variant Classification Process June 2021. Collection method: clinical testing. Allele origin: germline. Affected: yes.
Comment: Published functional studies demonstrate increased calcium sensitivity compared to wild type (PMID: 27895589); Reported in association with HCM in the published literature and reported in patients with HCM referred for genetic testing at GeneDx (PMID: 15524171, 12860912, 27532257); Not observed at significant frequency in large population cohorts (gnomAD); In silico analysis supports that this missense variant has a deleterious effect on protein structure/function; This variant is associated with the following publications: (PMID: 12860912, 26199943, 27532257, 30165862, 33906374, 34036930, 36252119, 35838873, 37652022, 15524171, 27895589)

Labcorp Genetics (formerly Invitae), Labcorp
Classification: Pathogenic for Hypertrophic cardiomyopathy. Last evaluated: 2025-02-26. Review status: criteria provided, single submitter. Criteria: Invitae Variant Classification Sherloc (09022015). Collection method: clinical testing. Allele origin: germline.
Comment: This sequence change replaces arginine, which is basic and polar, with cysteine, which is neutral and slightly polar, at codon 204 of the TNNI3 protein (p.Arg204Cys). This variant is not present in population databases (gnomAD no frequency). This missense change has been observed in individuals with autosomal dominant dilated cardiomyopathy, restrictive cardiomyopathy, and hypertrophic cardiomyopathy (PMID: 30165862, 33906374, 34036930, 36252119; internal data). ClinVar contains an entry for this variant (Variation ID: 177631). An algorithm developed to predict the effect of missense changes on protein structure and function (PolyPhen-2) suggests that this variant is likely to be disruptive. Experimental studies have shown that this missense change affects TNNI3 function (PMID: 27895589). This variant disrupts the p.Arg204 amino acid residue in TNNI3. Other variant(s) that disrupt this residue have been determined to be pathogenic (PMID: 15698845, 18801787, 20569525, 29176140). This suggests that this residue is clinically significant, and that variants that disrupt this residue are likely to be disease-causing. For these reasons, this variant has been classified as Pathogenic.

Blueprint Genetics
Classification: Pathogenic for TNNI3-related disorders. Last evaluated: 2023-12-11. Review status: criteria provided, single submitter. Criteria: ACMG Guidelines, 2015. Collection method: clinical testing. Allele origin: germline. Affected: yes. Observed: 1 variant allele.

Victorian Clinical Genetics Services, Murdoch Childrens Research Institute
Classification: Pathogenic for Cardiomyopathy. Last evaluated: 2020-10-19. Review status: criteria provided, single submitter. Criteria: ACMG Guidelines, 2015. Collection method: clinical testing. Allele origin: germline.
Comment: Based on the classification scheme VCGS_Germline_v1.1.1, this variant is classified as Pathogenic. Following criteria are met: 0103 - Both loss- and gain-of-function are known mechanisms of disease for this gene. Missense variants functionally proven to cause a loss of function effect by decreasing calcium sensitivity cause dilated cardiomyopathy (DCM). Missense variants functionally proven to cause a gain of function effect by increasing calcium sensitivity cause hypertrophic cardiomyopathy (HCM) (PMID: 21533915). (N) 0108 - This gene is known to be associated with both recessive and dominant disease. Only a single family has been reported with a recessive form of inheritance (OMIM). (N) 0112 - Variants in this gene are known to have reduced penetrance (PMID: 15607392). (N) 0200 - Variant is predicted to result in a missense amino acid change from arginine to histidine (exon 8). (N) 0251 - Variant is heterozygous. (N) 0301 - Variant is absent from gnomAD. (P) 0309 - An alternative amino acid change at the same position has been observed in gnomAD (1 heterozygote, 0 homozygotes). (N) 0501 - Missense variant consistently predicted to be damaging by multiple in silico tools or highly conserved with a major amino acid change. (P) 0604 - Variant is not located in an established domain, motif, hotspot or informative constraint region. (N) 0704 - Comparable variant has low previous evidence for pathogenicity. An alternative missense change at the same residue (p.Arg204Cys) has been reported as pathogenic, and observed in patients with restrictive cardiomyopathy (RCM) and HCM (ClinVar, PMID: 27895589). (P) 0801 - Strong previous evidence of pathogenicity in unrelated individuals. This variant has been reported as pathogenic, and reported in multiple patients with HCM, RCM and infantile ventricular septal defects (ClinVar, PMID: 27895589, PMID: 31912959, PMID: 20569525). Some of these reports were de novo. (P) 1002 - Moderate functional evidence supporting abnormal protein function. Analysis of animal model muscle fibres found this variant results in increased calcium sensitivity and reduced interactions with Troponins C and T (PMID: 27895589). (P) 1208 - Inheritance information for this variant is not currently available. (N) Legend: (P) - Pathogenic, (N) - Neutral, (B) - Benign

Stanford Center for Inherited Cardiovascular Disease, Stanford University
Classification: Pathogenic. Review status: criteria provided, single submitter. Criteria: ACMG Guidelines, 2015. Collection method: provider interpretation. Allele origin: germline.

Laboratory for Molecular Medicine, Mass General Brigham Personalized Medicine
Classification: Uncertain significance. Last evaluated: 2015-02-03. Review status: flagged submission. Criteria: LMM Criteria. Collection method: clinical testing. Allele origin: germline. Observed: 3 variant alleles. Not counted in ClinVar's aggregate classification.
Comment: Variant classified as Uncertain Significance - Favor Pathogenic. The p.Arg204Cys variant in TNNI3 has been identified by our laboratory in 1 child with features of RCM and HCM and 1 child with RCM and Vfib. The variant was absent from large population studies. In vitro functional studies provide some evidence that the p.Arg204Cys variant may impact protein function (Cui 2013 [conference abstract]) . However, these types of assays may not accurately represent biological functio n. Additionally, a different amino acid alteration at this position (p.Arg204His ) is likely pathogenic and has also been identified in individuals with RCM and/ or HCM, supporting that a change at this position may not be tolerated. In summa ry, while there is some suspicion for a pathogenic role, the clinical significan ce of the p.Arg204Cys variant is uncertain.
ClinVar note: Reason: Older and outlier claim with insufficient supporting evidence

Literature cited by the submitters: PubMed 27895589 (cited by 3 submitters); PubMed 12860912 (cited by Ambry Genetics and Laboratory for Molecular Medicine, Mass General Brigham Personalized Medicine); PubMed 27532257 (cited by Ambry Genetics); PubMed 30165862 (cited by Ambry Genetics and Labcorp Genetics (formerly Invitae), Labcorp); PubMed 33906374 (cited by Ambry Genetics and Labcorp Genetics (formerly Invitae), Labcorp); PubMed 34036930 (cited by Ambry Genetics and Labcorp Genetics (formerly Invitae), Labcorp); PubMed 35838873 (cited by Ambry Genetics); PubMed 36252119 (cited by Ambry Genetics and Labcorp Genetics (formerly Invitae), Labcorp); PubMed 37466024 (cited by Ambry Genetics); PubMed 15698845 (cited by Labcorp Genetics (formerly Invitae), Labcorp and Laboratory for Molecular Medicine, Mass General Brigham Personalized Medicine); PubMed 18801787 (cited by Labcorp Genetics (formerly Invitae), Labcorp); PubMed 20569525 (cited by Labcorp Genetics (formerly Invitae), Labcorp and Victorian Clinical Genetics Services, Murdoch Childrens Research Institute); PubMed 29176140 (cited by Labcorp Genetics (formerly Invitae), Labcorp); PubMed 15607392 (cited by Victorian Clinical Genetics Services, Murdoch Childrens Research Institute); PubMed 21533915 (cited by Victorian Clinical Genetics Services, Murdoch Childrens Research Institute); PubMed 31912959 (cited by Victorian Clinical Genetics Services, Murdoch Childrens Research Institute).